The following is an entry in ClinVar:

NM_001040108.2(MLH3):c.611C>T (p.Thr204Ile)

Gene: MLH3 (mutL homolog 3; minus strand). Cytogenetic location: 14q24.3.
Variant type: single nucleotide variant.
Coding change: c.611C>T on transcript NM_001040108.2 (MANE Select); coding-DNA position 611, C replaced by T.
Protein change: p.Thr204Ile; replaces threonine 204 with isoleucine.
Molecular consequence: missense variant.
Genome position (GRCh38, 1-based): chr14:75,049,045, G>A on the plus strand (C>T on the coding strand, the complement: MLH3 is on the minus strand). VCF-style: chr14-75049045-G-A. GRCh37 (hg19) VCF-style: chr14-75515748-G-A.
Other names: c.611C>T, p.Thr204Ile (NM_014381.3); short protein forms T204I.
Identifiers: ClinVar variation 4552065 (VCV004552065.1).
Genomic context (GRCh38, chr14:75,049,045, plus strand): 5'-CTTAGCTTTTGGGACTTTCCCAATCCATAAATTTGACAAAATCGGGAACATACGTCTTTG[G>A]TTTTAGGGAGCTGAAGAACCATGGAACCAGAAACATCATTTCTCAAAGAGAAAGAAATGG-3'
Protein context (NP_001035197.1, residues 194-214): SGSMVLQLPK[Thr204Ile]KDVCSRFCQI

ClinVar aggregate classification (germline): Uncertain significance (1 of 4 stars; one submission).

gnomAD v4.1: 1 of 1,613,972 alleles (0.000062%); highest among the groups gnomAD compares: African/African-American, 0.0013%; no homozygotes.

Submission:

Ambry Genetics
Classification: Uncertain significance. Last evaluated: 2025-09-19. Review status: criteria provided, single submitter. Criteria: Ambry Variant Classification Scheme 2023. Collection method: clinical testing. Allele origin: germline.
Comment: The p.T204I variant (also known as c.611C>T), located in coding exon 1 of the MLH3 gene, results from a C to T substitution at nucleotide position 611. The threonine at codon 204 is replaced by isoleucine, an amino acid with similar properties. This amino acid position is conserved. In addition, the in silico prediction for this alteration is inconclusive. Based on the available evidence, the clinical significance of this variant remains unclear.